The following is an entry in ClinVar:

ClinVar aggregate classification (germline): Conflicting classifications of pathogenicity. Review status: criteria provided, conflicting classifications (1 of 4 stars). 8 submissions from 8 submitters: Uncertain significance (6); Likely benign (1). 1 of the submissions does not count toward it. Last evaluated 2025-12-06.

Conditions:
Cardiovascular phenotype. Identifiers: MedGen CN230736.
Osteogenesis imperfecta, perinatal lethal (OI2). Also called: OSTEOGENESIS IMPERFECTA, TYPE II; OI, TYPE II; OSTEOGENESIS IMPERFECTA CONGENITA; VROLIK TYPE OF OSTEOGENESIS IMPERFECTA; Osteogenesis imperfecta type 2; Osteogenesis imperfecta, dominant perinatal lethal. Identifiers: Orphanet 216804, MedGen C0268358, MONDO:0008147, OMIM 166210.
Osteogenesis imperfecta type III (OI3). Also called: Progressively Deforming Osteogenesis Imperfecta; Osteogenesis imperfecta type 3; OI type 3; Osteogenesis imperfecta, progressively deforming with normal sclerae; OI type III. Identifiers: Orphanet 216812, Orphanet 666, MedGen C0268362, MONDO:0009804, OMIM 259420.
Ehlers-Danlos syndrome, arthrochalasia type. Also called: ARTHROCHALASIS MULTIPLEX CONGENITA; Ehlers-Danlos syndrome, arthrochalasis type; Ehlers-Danlos syndrome, arthrochalasia type, 1; EDS VII, MUTANT PROCOLLAGEN TYPE; EDS VIIA. Identifiers: Orphanet 1899, Orphanet 99875, Orphanet 99876, MedGen C4551623, MONDO:0007525, OMIM 130060.
Osteogenesis imperfecta type I (OI1). Also called: OI, TYPE I; OSTEOGENESIS IMPERFECTA TARDA; OSTEOGENESIS IMPERFECTA WITH BLUE SCLERAE; Classic Non-deforming Osteogenesis Imperfecta with Blue Sclerae; Lobstein's Disease; Lobstein disease. Identifiers: Orphanet 216796, Orphanet 666, MedGen C0023931, MONDO:0008146, OMIM 166200. Disease mechanism: loss of function.
Osteoporosis. Identifiers: MedGen C0029456, MONDO:0005298, OMIM 166710, HP:0000939.
Osteogenesis imperfecta with normal sclerae, dominant form (OI4). Also called: OSTEOGENESIS IMPERFECTA WITH NORMAL SCLERAE; Common Variable Osteogenesis Imperfecta with Normal Sclerae; OSTEOGENESIS IMPERFECTA, TYPE IV, WITH DENTINOGENESIS IMPERFECTA; Osteogenesis Imperfecta Type IV; Osteogenesis imperfecta type 4. Identifiers: Orphanet 216820, Orphanet 666, MedGen C0268363, MONDO:0008148, OMIM 166220.
Infantile cortical hyperostosis. Also called: Hyperostosis, Cortical, Congenital; P1PK BLOOD GROUP SYSTEM, P(2) PHENOTYPE; Caffey Disease. Identifiers: Orphanet 1310, MedGen C0020497, MONDO:0007244, OMIM 114000.
Combined osteogenesis imperfecta and Ehlers-Danlos syndrome 1. Also called: OIEDS SYNDROME 1. Identifiers: MedGen C5436842, MONDO:0030854, OMIM 619115.
Ehlers-Danlos syndrome (EDS). Identifiers: Orphanet 98249, MedGen C0013720, MONDO:0020066.
Prostate cancer. Also called: Malignant tumor of prostate. Identifiers: Orphanet 1331, MedGen C0376358, MONDO:0008315, HP:0012125.

Allele frequency attached by ClinVar (database versions not stated): TOPMed 0.00001; gnomAD exomes 0.00002; ExAC 0.00002; gnomAD 0.00002.
gnomAD v4.1: 46 of 1,613,920 alleles (0.0029%); highest among the groups gnomAD compares: African/African-American, 0.004%; no homozygotes.

Submissions (8):

Labcorp Genetics (formerly Invitae), Labcorp
Classification: Uncertain significance for Osteogenesis imperfecta type I. Last evaluated: 2025-12-06. Review status: criteria provided, single submitter. Criteria: Invitae Variant Classification Sherloc (09022015). Collection method: clinical testing. Allele origin: germline.
Comment: This sequence change replaces arginine, which is basic and polar, with cysteine, which is neutral and slightly polar, at codon 1093 of the COL1A1 protein (p.Arg1093Cys). This variant is present in population databases (rs72656307, gnomAD 0.01%). This missense change has been observed in individual(s) with multiple arterial dissections and osteopenia with wrist fractures (PMID: 17211858). ClinVar contains an entry for this variant (Variation ID: 161457). Invitae Evidence Modeling of protein sequence and biophysical properties (such as structural, functional, and spatial information, amino acid conservation, physicochemical variation, residue mobility, and thermodynamic stability) indicates that this missense variant is expected to disrupt COL1A1 protein function with a positive predictive value of 95%. Experimental studies have shown that this missense change affects COL1A1 function (PMID: 17211858). In summary, the available evidence is currently insufficient to determine the role of this variant in disease. Therefore, it has been classified as a Variant of Uncertain Significance.

Women's Health and Genetics/Laboratory Corporation of America, LabCorp
Classification: Likely benign. Last evaluated: 2025-11-19. Review status: criteria provided, single submitter. Criteria: LabCorp Variant Classification Summary - May 2015. Collection method: clinical testing. Allele origin: germline.
Comment: Variant summary: COL1A1 c.3277C>T (p.Arg1093Cys) results in a non-conservative amino acid change in the encoded protein sequence. Algorithms developed to predict the effect of missense changes on protein structure and function all suggest that this variant is likely to be disruptive. The variant allele was found at a frequency of 2.9e-05 in 1613920 control chromosomes. The observed variant frequency exceeds the estimated maximal expected allele frequency for disease-causing variants in COL1A1. c.3277C>T has been observed in the presumed heterozygous state in at least 1 individual(s) affected with clinical features of Ehlers-Danlos Syndrome, Classic Type, 1 or idiopathic short stature, without strong evidence for causality (example, Malfait_2007, Wang_2013). These report(s) do not provide unequivocal conclusions about association of the variant with COL1A1-related conditions. To our knowledge, no experimental evidence demonstrating an impact on protein function has been reported. The following publications have been ascertained in the context of this evaluation (PMID: 17211858, 17206620, 18028452, 36503916, 23771920, 29990383, 35396906, 20847697, 23265383, 37443678, 30837697, 31000321, 34272483, 28102596, 31323331, 24273577, 32467296, 28306225, 37350130). ClinVar contains an entry for this variant (Variation ID: 161457). Based on the evidence outlined above, the variant was classified as likely benign.

Ambry Genetics
Classification: Uncertain significance for Cardiovascular phenotype. Last evaluated: 2025-05-20. Review status: criteria provided, single submitter. Criteria: Ambry Variant Classification Scheme 2023. Collection method: clinical testing. Allele origin: germline.
Comment: The p.R1093C variant (also known as c.3277C>T), located in coding exon 45 of the COL1A1 gene, results from a C to T substitution at nucleotide position 3277. The arginine at codon 1093 is replaced by cysteine, an amino acid with highly dissimilar properties. This variant was reported in individual(s) with concerns for Ehlers-Danlos syndrome (EDS) (Malfait F et al. Hum Mutat, 2007 Apr;28:387-95). This amino acid position is well conserved in available vertebrate species. In addition, this alteration is predicted to be deleterious by in silico analysis. Based on the available evidence, the clinical significance of this variant remains unclear.

Fulgent Genetics
Classification: Uncertain significance for Infantile cortical hyperostosis; Ehlers-Danlos syndrome, arthrochalasia type; Osteogenesis imperfecta type I; Osteogenesis imperfecta, perinatal lethal; Osteogenesis imperfecta with normal sclerae, dominant form; Osteoporosis; Osteogenesis imperfecta type III; Combined osteogenesis imperfecta and Ehlers-Danlos syndrome 1. Last evaluated: 2022-01-14. Review status: criteria provided, single submitter. Criteria: ACMG Guidelines, 2015. Collection method: clinical testing. Allele origin: unknown.

MGZ Medical Genetics Center
Classification: Uncertain significance for Combined osteogenesis imperfecta and Ehlers-Danlos syndrome 1. Last evaluated: 2021-09-02. Review status: criteria provided, single submitter. Criteria: ACMG Guidelines, 2015. Collection method: clinical testing. Allele origin: germline. Affected: yes. Observed: 1 variant allele.
Comment: ACMG criteria applied: PM2_SUP, PP3

GeneDx
Classification: Uncertain significance. Last evaluated: 2020-07-14. Review status: criteria provided, single submitter. Criteria: GeneDx Variant Classification Process June 2021. Collection method: clinical testing. Allele origin: germline. Affected: yes.
Comment: Has been reported in an individual with aortic dissection and aneurysms, but without other features of EDS (Malfait et al., 2007); In silico analysis supports that this missense variant has a deleterious effect on protein structure/function; Located in the Gly-Xaa-Yaa triple helical region of the pro-alpha1(I) chain encoded by the COL1A1 gene, where triplet glycine substitutions are the most common cause of osteogenesis imperfecta (OI). The effect of missense substitution at the X and Y positions are more difficult to predict; however, multiple variants that result in introduction of a Cys residue in pro-alpha1(I) have been reported to be pathogenic (Dalgleish, 1998).; Reported in ClinVar as a variant of uncertain significance (ClinVar Variant ID# 161457; Landrum et al., 2016); This variant is associated with the following publications: (PMID: 17211858, 28306225)

Genome Diagnostics Laboratory, The Hospital for Sick Children
Classification: Uncertain significance for Ehlers-Danlos syndrome. Last evaluated: 2018-10-01. Review status: criteria provided, single submitter. Criteria: ACMG Guidelines, 2015. Collection method: clinical testing. Allele origin: germline.

Science for Life laboratory,  Karolinska Institutet
Classification: Uncertain significance for Malignant tumor of prostate. Review status: no assertion criteria provided. Collection method: not provided. Allele origin: somatic. Not counted in ClinVar's aggregate classification.
Comment: TumorID:SWE-2
ClinVar note: Converted during submission from Unknown to Uncertain significance.

Literature cited by the submitters: PubMed 17211858 (cited by 3 submitters); PubMed 17206620 (cited by Women's Health and Genetics/Laboratory Corporation of America, LabCorp); PubMed 18028452 (cited by Women's Health and Genetics/Laboratory Corporation of America, LabCorp); PubMed 23265383 (cited by Women's Health and Genetics/Laboratory Corporation of America, LabCorp); PubMed 28306225 (cited by Women's Health and Genetics/Laboratory Corporation of America, LabCorp); PubMed 35396906 (cited by Women's Health and Genetics/Laboratory Corporation of America, LabCorp); PubMed 37350130 (cited by Women's Health and Genetics/Laboratory Corporation of America, LabCorp); PubMed 32467296 (cited by Women's Health and Genetics/Laboratory Corporation of America, LabCorp); PubMed 36503916 (cited by Women's Health and Genetics/Laboratory Corporation of America, LabCorp); PubMed 29990383 (cited by Women's Health and Genetics/Laboratory Corporation of America, LabCorp); PubMed 20847697 (cited by Women's Health and Genetics/Laboratory Corporation of America, LabCorp); PubMed 37443678 (cited by Women's Health and Genetics/Laboratory Corporation of America, LabCorp); PubMed 31000321 (cited by Women's Health and Genetics/Laboratory Corporation of America, LabCorp); PubMed 34272483 (cited by Women's Health and Genetics/Laboratory Corporation of America, LabCorp); PubMed 28102596 (cited by Women's Health and Genetics/Laboratory Corporation of America, LabCorp); PubMed 31323331 (cited by Women's Health and Genetics/Laboratory Corporation of America, LabCorp); PubMed 24273577 (cited by Women's Health and Genetics/Laboratory Corporation of America, LabCorp); PubMed 30837697 (cited by Women's Health and Genetics/Laboratory Corporation of America, LabCorp); PubMed 23771920 (cited by Women's Health and Genetics/Laboratory Corporation of America, LabCorp).

NM_000088.4(COL1A1):c.3277C>T (p.Arg1093Cys)

Gene: COL1A1 (collagen type I alpha 1 chain; minus strand). Cytogenetic location: 17q21.33.
Variant type: single nucleotide variant.
Coding change: c.3277C>T on transcript NM_000088.4 (MANE Select); coding-DNA position 3277, C replaced by T.
Protein change: p.Arg1093Cys; replaces arginine 1093 with cysteine.
Molecular consequence: missense variant.
Genome position (GRCh38, 1-based): chr17:50,187,968, G>A on the plus strand (C>T on the coding strand, the complement: COL1A1 is on the minus strand). VCF-style: chr17-50187968-G-A. GRCh37 (hg19) VCF-style: chr17-48265329-G-A.
Other names: short protein forms R1093C.
Identifiers: ClinVar variation 161457 (VCV000161457.18), dbSNP rs72656307, ClinGen allele CA174070.